The following is an entry in ClinVar:

ClinVar aggregate classification (germline): Uncertain significance. Review status: criteria provided, multiple submitters, no conflicts (2 of 4 stars). 2 submissions from 2 submitters: Uncertain significance (2). Last evaluated 2023-09-30.

Conditions:
Familial cold autoinflammatory syndrome 3 (FCAS3). Also called: ANTIBODY DEFICIENCY AND IMMUNE DYSREGULATION, PLCG2-ASSOCIATED; FAMILIAL ATYPICAL COLD URTICARIA. Identifiers: Orphanet 300359, MedGen C3280914, MONDO:0013766, OMIM 614468.

Allele frequency attached by ClinVar (database versions not stated): ExAC 0.00001.
gnomAD v4.1: 3 of 1,613,938 alleles (0.00019%); highest among the groups gnomAD compares: South Asian, 0.0011%; no homozygotes.

Submissions (2):

Labcorp Genetics (formerly Invitae), Labcorp
Classification: Uncertain significance for Familial cold autoinflammatory syndrome 3. Last evaluated: 2023-09-30. Review status: criteria provided, single submitter. Criteria: Invitae Variant Classification Sherloc (09022015). Collection method: clinical testing. Allele origin: germline.
Comment: In summary, the available evidence is currently insufficient to determine the role of this variant in disease. Therefore, it has been classified as a Variant of Uncertain Significance. An algorithm developed to predict the effect of missense changes on protein structure and function (PolyPhen-2) suggests that this variant is likely to be disruptive. ClinVar contains an entry for this variant (Variation ID: 636525). This variant has not been reported in the literature in individuals affected with PLCG2-related conditions. This variant is present in population databases (rs746172717, gnomAD 0.003%). This sequence change replaces asparagine, which is neutral and polar, with threonine, which is neutral and polar, at codon 822 of the PLCG2 protein (p.Asn822Thr).

Blueprint Genetics
Classification: Uncertain significance. Last evaluated: 2017-11-06. Review status: criteria provided, single submitter. Criteria: ACMG Guidelines, 2015. Collection method: clinical testing. Allele origin: germline.

NM_002661.5(PLCG2):c.2465A>C (p.Asn822Thr)

Gene: PLCG2 (phospholipase C gamma 2; plus strand). Cytogenetic location: 16q23.3.
Variant type: single nucleotide variant.
Coding change: c.2465A>C on transcript NM_002661.5 (MANE Select); coding-DNA position 2465, A replaced by C.
Protein change: p.Asn822Thr; replaces asparagine 822 with threonine.
Molecular consequence: missense variant.
Genome position (GRCh38, 1-based): chr16:81,927,129, A>C. VCF-style: chr16-81927129-A-C. GRCh37 (hg19) VCF-style: chr16-81960734-A-C.
Other names: c.2465A>C (LRG_376t1); short protein forms N822T.
Identifiers: ClinVar variation 636525 (VCV000636525.5), dbSNP rs746172717, ClinGen allele CA8194283.
Genomic context (GRCh38, chr16:81,927,129, plus strand): 5'-TCTTCTTATCCAGGTGGAAAGGAGACTATGGAACCAGGATCCAGCAGTACTTCCCATCCA[A>C]CTACGTCGAGGACATCTCAACTGCAGACTTCGAGGAGCTAGAAAAGCAGGTGAGTCCCCC-3'
Protein context (NP_002652.2, residues 812-832): GTRIQQYFPS[Asn822Thr]YVEDISTADF